The following is an entry in ClinVar:

ClinVar aggregate classification (germline): Pathogenic (1 of 4 stars; one submission).

Submission:

Labcorp Genetics (formerly Invitae), Labcorp
Classification: Pathogenic. Last evaluated: 2022-09-12. Review status: criteria provided, single submitter. Criteria: Invitae Variant Classification Sherloc (09022015). Collection method: clinical testing. Allele origin: germline.
Comment: For these reasons, this variant has been classified as Pathogenic. This sequence change creates a premature translational stop signal (p.Gly94Hisfs*14) in the APRT gene. It is expected to result in an absent or disrupted protein product. Loss-of-function variants in APRT are known to be pathogenic (PMID: 7685481, 20150536, 28717278). This variant is not present in population databases (gnomAD no frequency). This variant has not been reported in the literature in individuals affected with APRT-related conditions. ClinVar contains an entry for this variant (Variation ID: 1458416).

Literature cited by the submitters: PubMed 7685481; PubMed 20150536; PubMed 28717278.

NM_000485.3(APRT):c.279_283del (p.Gly94fs)

Gene: APRT (adenine phosphoribosyltransferase; minus strand). Cytogenetic location: 16q24.3.
Variant type: Deletion.
Coding change: c.279_283del on transcript NM_000485.3 (MANE Select); coding-DNA positions 279 to 283, 5 bases deleted (AGGCC; older notation c.279_283delAGGCC).
Protein change: p.Gly94fs; shifts the reading frame from glycine 94.
Molecular consequence: frameshift variant.
Genome position (GRCh38, 1-based): chr16:88,810,461-88,810,465, GGCCT deleted on the plus strand (AGGCC on the coding strand, the reverse complement: APRT is on the minus strand); deleting any 5 consecutive bases within chr16:88,810,461-88,810,468 gives the same sequence; the c. name uses the placement nearest the transcript's 3' end. VCF-style (leftmost placement, unchanged base first): chr16-88810460-GGGCCT-G. GRCh37 (hg19) VCF-style: chr16-88876868-GGGCCT-G.
Other names: c.279_283del, p.Gly94fs (NM_001030018.2); short protein forms G94fs.
Identifiers: ClinVar variation 1458416 (VCV001458416.6), dbSNP rs2142952361, ClinGen allele CA2573152852.